The following is an entry in ClinVar:

ClinVar aggregate classification (germline): Uncertain significance (1 of 4 stars; one submission).

Conditions:
Emery-Dreifuss muscular dystrophy 5, autosomal dominant (EDMD5). Also called: EMERY-DREIFUSS MUSCULAR DYSTROPHY 5. Identifiers: Orphanet 261, MedGen C2751805, MONDO:0013072, OMIM 612999.

gnomAD v4.1: 13 of 1,614,078 alleles (0.00081%); highest among the groups gnomAD compares: Admixed American, 0.005%; no homozygotes.

Submission:

Labcorp Genetics (formerly Invitae), Labcorp
Classification: Uncertain significance for Emery-Dreifuss muscular dystrophy 5, autosomal dominant. Last evaluated: 2022-05-25. Review status: criteria provided, single submitter. Criteria: Invitae Variant Classification Sherloc (09022015). Collection method: clinical testing. Allele origin: germline.
Comment: Algorithms developed to predict the effect of missense changes on protein structure and function (SIFT, PolyPhen-2, Align-GVGD) all suggest that this variant is likely to be tolerated. This variant has not been reported in the literature in individuals affected with SYNE2-related conditions. This variant is present in population databases (rs563482043, gnomAD 0.006%). In summary, the available evidence is currently insufficient to determine the role of this variant in disease. Therefore, it has been classified as a Variant of Uncertain Significance. This sequence change replaces alanine, which is neutral and non-polar, with valine, which is neutral and non-polar, at codon 5873 of the SYNE2 protein (p.Ala5873Val).

NM_182914.3(SYNE2):c.17618C>T (p.Ala5873Val)

Gene: SYNE2 (spectrin repeat containing nuclear envelope protein 2; plus strand). Cytogenetic location: 14q23.2.
Variant type: single nucleotide variant.
Coding change: c.17618C>T on transcript NM_182914.3 (MANE Select); coding-DNA position 17618, C replaced by T.
Protein change: p.Ala5873Val; replaces alanine 5873 with valine.
Molecular consequence: missense variant.
Genome position (GRCh38, 1-based): chr14:64,186,485, C>T. VCF-style: chr14-64186485-C-T. GRCh37 (hg19) VCF-style: chr14-64653203-C-T.
Other names: c.17618C>T, p.Ala5873Val (NM_015180.6); short protein forms A5873V.
Identifiers: ClinVar variation 2200271 (VCV002200271.4), dbSNP rs563482043, ClinGen allele CA7223771.
Genomic context (GRCh38, chr14:64,186,485, plus strand): 5'-AACTAGAACAGTCTTTGGCTAGCTGGACTCAGAACTTGAAAGAACTTCAAACTATGAAGG[C>T]GGACTTAACCCGGCACGTTCTCGTGGAAGATGTGATGGTTTTGAAGGAGCAAATAGAGCA-3'
Protein context (NP_878918.2, residues 5863-5883): QNLKELQTMK[Ala5873Val]DLTRHVLVED